The following is an entry in ClinVar:

ClinVar aggregate classification (germline): Uncertain significance (1 of 4 stars; one submission).

Allele frequency attached by ClinVar (database versions not stated): gnomAD exomes below 0.00001.
gnomAD v4.1: 1 of 1,613,492 alleles (0.000062%); highest among the groups gnomAD compares: Non-Finnish European, 0.000085%; no homozygotes.

Submission:

Labcorp Genetics (formerly Invitae), Labcorp
Classification: Uncertain significance. Last evaluated: 2022-07-20. Review status: criteria provided, single submitter. Criteria: Invitae Variant Classification Sherloc (09022015). Collection method: clinical testing. Allele origin: germline.
Comment: In summary, the available evidence is currently insufficient to determine the role of this variant in disease. Therefore, it has been classified as a Variant of Uncertain Significance. Advanced modeling of protein sequence and biophysical properties (such as structural, functional, and spatial information, amino acid conservation, physicochemical variation, residue mobility, and thermodynamic stability) performed at Invitae indicates that this missense variant is expected to disrupt LRP5 protein function. This variant has not been reported in the literature in individuals affected with LRP5-related conditions. This sequence change replaces threonine, which is neutral and polar, with isoleucine, which is neutral and non-polar, at codon 1161 of the LRP5 protein (p.Thr1161Ile). This variant is not present in population databases (gnomAD no frequency).

NM_002335.4(LRP5):c.3482C>T (p.Thr1161Ile)

Gene: LRP5 (LDL receptor related protein 5; plus strand). Cytogenetic location: 11q13.2.
Variant type: single nucleotide variant.
Coding change: c.3482C>T on transcript NM_002335.4 (MANE Select); coding-DNA position 3482, C replaced by T.
Protein change: p.Thr1161Ile; replaces threonine 1161 with isoleucine.
Molecular consequence: missense variant.
Genome position (GRCh38, 1-based): chr11:68,426,032, C>T. VCF-style: chr11-68426032-C-T. GRCh37 (hg19) VCF-style: chr11-68193500-C-T.
Other names: c.1739C>T, p.Thr580Ile (NM_001291902.2); short protein forms T1161I, T580I.
Identifiers: ClinVar variation 1993699 (VCV001993699.4), dbSNP rs2496831999, ClinGen allele CA381621780.